The following is an entry in ClinVar:

ClinVar aggregate classification (germline): Uncertain significance (1 of 4 stars; one submission).

Conditions:
Episodic kinesigenic dyskinesia (EKD). Also called: Paroxysmal kinesigenic dyskinesia. Identifiers: Orphanet 98809, MedGen C1868682, MONDO:0044202.

Submission:

Labcorp Genetics (formerly Invitae), Labcorp
Classification: Uncertain significance for Episodic kinesigenic dyskinesia. Last evaluated: 2019-12-15. Review status: criteria provided, single submitter. Criteria: Invitae Variant Classification Sherloc (09022015). Collection method: clinical testing. Allele origin: germline.
Comment: In summary, the available evidence is currently insufficient to determine the role of this variant in disease. Therefore, it has been classified as a Variant of Uncertain Significance. Algorithms developed to predict the effect of sequence changes on RNA splicing suggest that this variant may create or strengthen a splice site, but this prediction has not been confirmed by published transcriptional studies. Algorithms developed to predict the effect of missense changes on protein structure and function are either unavailable or do not agree on the potential impact of this missense change (SIFT: "Deleterious"; PolyPhen-2: "Possibly Damaging"; Align-GVGD: "Class C0"). This variant has not been reported in the literature in individuals with PRRT2-related conditions. This variant is not present in population databases (ExAC no frequency). This sequence change replaces glycine with valine at codon 123 of the PRRT2 protein (p.Gly123Val). The glycine residue is highly conserved and there is a moderate physicochemical difference between glycine and valine.

NM_145239.3(PRRT2):c.368G>T (p.Gly123Val)

Genes: MVP-DT (MVP divergent transcript; minus strand), PRRT2 (proline rich transmembrane protein 2; plus strand). Cytogenetic location: 16p11.2.
Variant type: single nucleotide variant.
Coding change: c.368G>T on transcript NM_145239.3 (MANE Select); coding-DNA position 368, G replaced by T.
Protein change: p.Gly123Val; replaces glycine 123 with valine.
Molecular consequence: missense variant.
Genome position (GRCh38, 1-based): chr16:29,813,422, G>T. VCF-style: chr16-29813422-G-T. GRCh37 (hg19) VCF-style: chr16-29824743-G-T.
Other names: c.368G>T, p.Gly123Val (NM_001256442.2, NM_001256443.2); short protein forms G123V.
Identifiers: ClinVar variation 850183 (VCV000850183.10), dbSNP rs758798693, ClinGen allele CA395478399.